The following is an entry in ClinVar:

NM_032108.4(SEMA6B):c.916C>G (p.Gln306Glu)

Gene: SEMA6B (semaphorin 6B; minus strand). Cytogenetic location: 19p13.3.
Variant type: single nucleotide variant.
Coding change: c.916C>G on transcript NM_032108.4 (MANE Select); coding-DNA position 916, C replaced by G.
Protein change: p.Gln306Glu; replaces glutamine 306 with glutamic acid.
Molecular consequence: missense variant.
Genome position (GRCh38, 1-based): chr19:4,552,495, G>C on the plus strand (C>G on the coding strand, the complement: SEMA6B is on the minus strand). VCF-style: chr19-4552495-G-C. GRCh37 (hg19) VCF-style: chr19-4552507-G-C.
Other names: short protein forms Q306E.
Identifiers: ClinVar variation 3383868 (VCV003383868.1).

ClinVar aggregate classification (germline): Uncertain significance (1 of 4 stars; one submission).

Submission:

GeneDx
Classification: Uncertain significance. Last evaluated: 2024-05-30. Review status: criteria provided, single submitter. Criteria: GeneDx Variant Classification Process June 2021. Collection method: clinical testing. Allele origin: germline. Affected: yes.
Comment: Not observed at significant frequency in large population cohorts (gnomAD); In silico analysis supports that this missense variant has a deleterious effect on protein structure/function; Has not been previously published as pathogenic or benign to our knowledge